The following is an entry in ClinVar:

NM_006852.6(TLK2):c.174T>G (p.Asn58Lys)

Gene: TLK2 (tousled like kinase 2; plus strand). Cytogenetic location: 17q23.2.
Variant type: single nucleotide variant.
Coding change: c.174T>G on transcript NM_006852.6 (MANE Select); coding-DNA position 174, T replaced by G.
Protein change: p.Asn58Lys; replaces asparagine 58 with lysine.
Molecular consequence: missense variant. On other transcripts: 5 prime UTR variant (2).
Genome position (GRCh38, 1-based): chr17:62,522,224, T>G. VCF-style: chr17-62522224-T-G. GRCh37 (hg19) VCF-style: chr17-60599585-T-G.
Other names: c.174T>G, p.Asn58Lys (NM_001284333.3, NM_001284363.1, NM_001375270.1 and 2 more transcripts); c.-178T>G (NM_001330418.3, NM_001375273.1); c.312T>G, p.Asn104Lys (NM_001375269.1); short protein forms N104K, N58K.
Identifiers: ClinVar variation 1311944 (VCV001311944.2), dbSNP rs1436632109, ClinGen allele CA400513502.

ClinVar aggregate classification (germline): Uncertain significance (1 of 4 stars; one submission).

Allele frequency attached by ClinVar (database versions not stated): gnomAD 0.00001; TOPMed 0.00001.
gnomAD v4.1: 1 of 1,613,348 alleles (0.000062%); highest among the groups gnomAD compares: Non-Finnish European, 0.000085%; no homozygotes.

Submission:

GeneDx
Classification: Uncertain significance. Last evaluated: 2020-02-14. Review status: criteria provided, single submitter. Criteria: GeneDx Variant Classification Process June 2021. Collection method: clinical testing. Allele origin: germline. Affected: yes.
Comment: Not observed in large population cohorts (Lek et al., 2016); In silico analysis supports that this missense variant does not alter protein structure/function; Has not been previously published as pathogenic or benign to our knowledge